The following is an entry in ClinVar:

ClinVar aggregate classification (germline): Uncertain significance (1 of 4 stars; one submission).

Allele frequency attached by ClinVar (database versions not stated): ExAC 0.00002; gnomAD 0.00002; TOPMed 0.00002.
gnomAD v4.1: 19 of 1,614,076 alleles (0.0012%); highest among the groups gnomAD compares: Non-Finnish European, 0.0016%; no homozygotes.

Submission:

Labcorp Genetics (formerly Invitae), Labcorp
Classification: Uncertain significance. Last evaluated: 2024-04-11. Review status: criteria provided, single submitter. Criteria: Invitae Variant Classification Sherloc (09022015). Collection method: clinical testing. Allele origin: germline.
Comment: This sequence change replaces alanine, which is neutral and non-polar, with valine, which is neutral and non-polar, at codon 1377 of the LAMA3 protein (p.Ala1377Val). This variant is present in population databases (rs777637175, gnomAD 0.004%). This variant has not been reported in the literature in individuals affected with LAMA3-related conditions. An algorithm developed to predict the effect of missense changes on protein structure and function (PolyPhen-2) suggests that this variant is likely to be disruptive. In summary, the available evidence is currently insufficient to determine the role of this variant in disease. Therefore, it has been classified as a Variant of Uncertain Significance.

NM_198129.4(LAMA3):c.8957C>T (p.Ala2986Val)

Gene: LAMA3 (laminin subunit alpha 3; plus strand). Cytogenetic location: 18q11.2.
Variant type: single nucleotide variant.
Coding change: c.8957C>T on transcript NM_198129.4 (MANE Select); coding-DNA position 8957, C replaced by T.
Protein change: p.Ala2986Val; replaces alanine 2986 with valine.
Molecular consequence: missense variant.
Genome position (GRCh38, 1-based): chr18:23,939,317, C>T. VCF-style: chr18-23939317-C-T. GRCh37 (hg19) VCF-style: chr18-21519281-C-T.
Other names: c.4130C>T, p.Ala1377Val (NM_000227.6); c.8789C>T, p.Ala2930Val (NM_001127717.4); c.3962C>T, p.Ala1321Val (NM_001127718.4); short protein forms A1321V, A1377V, A2986V, A2930V.
Identifiers: ClinVar variation 2914667 (VCV002914667.3), dbSNP rs777637175, ClinGen allele CA8917044.